The following is an entry in ClinVar:

ClinVar aggregate classification (germline): Uncertain significance (1 of 4 stars; one submission).

Submission:

Labcorp Genetics (formerly Invitae), Labcorp
Classification: Uncertain significance. Last evaluated: 2022-10-13. Review status: criteria provided, single submitter. Criteria: Invitae Variant Classification Sherloc (09022015). Collection method: clinical testing. Allele origin: germline.
Comment: This sequence change replaces aspartic acid, which is acidic and polar, with glutamic acid, which is acidic and polar, at codon 514 of the COL18A1 protein (p.Asp514Glu). This variant is not present in population databases (gnomAD no frequency). This variant has not been reported in the literature in individuals affected with COL18A1-related conditions. Experimental studies and prediction algorithms are not available or were not evaluated, and the functional significance of this variant is currently unknown. In summary, the available evidence is currently insufficient to determine the role of this variant in disease. Therefore, it has been classified as a Variant of Uncertain Significance.

NM_001379500.1(COL18A1):c.1542C>A (p.Asp514Glu)

Gene: COL18A1 (collagen type XVIII alpha 1 chain; plus strand). Cytogenetic location: 21q22.3.
Variant type: single nucleotide variant.
Coding change: c.1542C>A on transcript NM_001379500.1 (MANE Select); coding-DNA position 1542, C replaced by A.
Protein change: p.Asp514Glu; replaces aspartic acid 514 with glutamic acid.
Molecular consequence: missense variant.
Genome position (GRCh38, 1-based): chr21:45,480,789, C>A. VCF-style: chr21-45480789-C-A. GRCh37 (hg19) VCF-style: chr21-46900703-C-A.
Other names: c.2082C>A, p.Asp694Glu (NM_030582.4); c.2787C>A, p.Asp929Glu (NM_130444.3); short protein forms D514E, D694E, D929E.
Identifiers: ClinVar variation 2109617 (VCV002109617.4), dbSNP rs200106008, ClinGen allele CA410517823.
Genomic context (GRCh38, chr21:45,480,789, plus strand): 5'-ACCCCCCGGTGTCCCAGGCCTGCCCGGCGAGCCAGGCCGCTTTGGGGTGAACAGCTCCGA[C>A]GTCCCAGGACCCGCCGGCCTTCCTGGTGTGCCTGGGCGCGAGGGTCCCCCCGGGTTTCCT-3'
Protein context (NP_001366429.1, residues 504-524): EPGRFGVNSS[Asp514Glu]VPGPAGLPGV